The following is an entry in ClinVar:

ClinVar aggregate classification (germline): Pathogenic (1 of 4 stars; one submission).

Conditions:
Hereditary cancer-predisposing syndrome. Also called: Neoplastic Syndromes, Hereditary; Tumor predisposition; Hereditary Cancer Syndrome; Hereditary neoplastic syndrome. Identifiers: Orphanet 140162, MedGen C0027672, MeSH D009386, MONDO:0015356.

Submission:

Ambry Genetics
Classification: Pathogenic for Hereditary cancer-predisposing syndrome. Last evaluated: 2026-06-09. Review status: criteria provided, single submitter. Criteria: Ambry Variant Classification Scheme 2023. Collection method: clinical testing. Allele origin: germline.
Comment: The c.7170_7211del42insCCTC pathogenic mutation, located in coding exon 13 of the BRCA2 gene, results from the deletion of 42 nucleotides and insertion of 4 nucleotides causing a translational frameshift with a predicted alternate stop codon (p.E2391Lfs*8). This variant is considered to be rare based on population cohorts in the Genome Aggregation Database (gnomAD). This alteration is expected to result in loss of function by premature protein truncation or nonsense-mediated mRNA decay. As such, this alteration is interpreted as a disease-causing mutation.

NM_000059.4(BRCA2):c.7170_7211delinsCCTC (p.Glu2391fs)

Gene: BRCA2 (BRCA2 DNA repair associated; plus strand). Cytogenetic location: 13q13.1.
Variant type: Indel.
Coding change: c.7170_7211delinsCCTC on transcript NM_000059.4 (MANE Select); coding-DNA positions 7170 to 7211, the reference bases replaced by CCTC.
Protein change: p.Glu2391fs; shifts the reading frame from glutamic acid 2391.
Molecular consequence: frameshift variant. On other transcripts: non-coding transcript variant (1).
Genome position (GRCh38, 1-based): chr13:32,355,023-32,355,064, 42 bases replaced. GRCh37 (hg19): chr13:32,929,160-32,929,201.
Other names: c.7074_7115delinsCCTC, p.Glu2359fs (NM_001406719.1); c.7170_7211delinsCCTC, p.Glu2391fs (NM_001406720.1, NM_001432077.1); c.2238_2279delinsCCTC, p.Glu747fs (NM_001406721.1); c.753_794delinsCCTC, p.Glu252fs (NM_001406722.1); short protein forms E2359fs, E2391fs, E252fs, E747fs.
Identifiers: ClinVar variation 4867889 (VCV004867889.1).
Genomic context (GRCh38, chr13:32,355,023, plus strand): 5'-ATCTTCAAGCAATTTAGCAGTTTCAGGACATCCATTTTATCAAGTTTCTGCTACAAGAAA[TGAAAAAATGAGACACTTGATTACTACAGGCAGACCAACCAA>CCTC]AGTCTTTGTTCCACCTTTTAAAACTAAATCACATTTTCACAGAGTTGAACAGTGTGTTAG-3'